The following is an entry in ClinVar:

NM_000350.3(ABCA4):c.2295T>G (p.Ser765Arg)

Gene: ABCA4 (ATP binding cassette subfamily A member 4; minus strand). Cytogenetic location: 1p22.1.
Variant type: single nucleotide variant.
Coding change: c.2295T>G on transcript NM_000350.3 (MANE Select); coding-DNA position 2295, T replaced by G.
Protein change: p.Ser765Arg; replaces serine 765 with arginine.
Molecular consequence: missense variant.
Genome position (GRCh38, 1-based): chr1:94,056,688, A>C on the plus strand (T>G on the coding strand, the complement: ABCA4 is on the minus strand). VCF-style: chr1-94056688-A-C. GRCh37 (hg19) VCF-style: chr1-94522244-A-C.
Other names: short protein forms S765R.
Identifiers: ClinVar variation 99126 (VCV000099126.5), dbSNP rs61752404, ClinGen allele CA226989.

ClinVar aggregate classification (germline): Pathogenic/Likely pathogenic. Review status: criteria provided, multiple submitters, no conflicts (2 of 4 stars). 4 submissions from 4 submitters: Pathogenic (2); Likely pathogenic (1). 1 of the submissions does not count toward it. Last evaluated 2026-04-20.

Conditions:
ABCA4-related disorder. Also called: ABCA4-related condition; ABCA4-related disorders. Identifiers: MedGen CN239167.
Severe early-childhood-onset retinal dystrophy (STGD1). Also called: MACULAR DYSTROPHY WITH FLECKS, TYPE 1; STGD; Stargardt disease 1; Stargardt macular dystrophy; Juvenile onset macular degeneration. Identifiers: Orphanet 364055, Orphanet 827, MedGen C1855465, MeSH D000080362, MONDO:0009549, OMIM 248200.

Allele frequency attached by ClinVar (database versions not stated): gnomAD exomes below 0.00001.
gnomAD v4.1: 1 of 1,614,162 alleles (0.000062%); highest among the groups gnomAD compares: South Asian, 0.0011%; no homozygotes.

Submissions (4):

Institute of Human Genetics, University of Leipzig Medical Center
Classification: Pathogenic for Severe early-childhood-onset retinal dystrophy. Last evaluated: 2026-04-20. Review status: criteria provided, single submitter. Criteria: ACMG Guidelines, 2015. Collection method: clinical testing. Allele origin: unknown. Inheritance: Autosomal recessive inheritance. Affected: yes.
Comment: Criteria applied: PM3_VSTR,PM5,PS3_SUP,PM2_SUP,PP4; Identified as compund heterozygous with NM_000350.3:c.5882G>A

Labcorp Genetics (formerly Invitae), Labcorp
Classification: Pathogenic. Last evaluated: 2024-09-09. Review status: criteria provided, single submitter. Criteria: Invitae Variant Classification Sherloc (09022015). Collection method: clinical testing. Allele origin: germline.
Comment: This sequence change replaces serine, which is neutral and polar, with arginine, which is basic and polar, at codon 765 of the ABCA4 protein (p.Ser765Arg). This variant is not present in population databases (gnomAD no frequency). This missense change has been observed in individual(s) with ABCA4-related conditions and/or Stargardt disease (PMID: 10958763, 35120629, 36460718; internal data). ClinVar contains an entry for this variant (Variation ID: 99126). Invitae Evidence Modeling of protein sequence and biophysical properties (such as structural, functional, and spatial information, amino acid conservation, physicochemical variation, residue mobility, and thermodynamic stability) indicates that this missense variant is expected to disrupt ABCA4 protein function with a positive predictive value of 95%. Experimental studies have shown that this missense change affects ABCA4 function (PMID: 33375396). This variant disrupts the p.Ser765 amino acid residue in ABCA4. Other variant(s) that disrupt this residue have been determined to be pathogenic (PMID: 11328725, 31456290; internal data). This suggests that this residue is clinically significant, and that variants that disrupt this residue are likely to be disease-causing. For these reasons, this variant has been classified as Pathogenic.

Blueprint Genetics
Classification: Likely pathogenic for ABCA4-related disorders. Last evaluated: 2023-01-23. Review status: criteria provided, single submitter. Criteria: ACMG Guidelines, 2015. Collection method: clinical testing. Allele origin: germline. Affected: yes. Observed: 2 variant alleles.

Retina International
No classification provided. Review status: no classification provided. Collection method: not provided. Allele origin: not provided. Not counted in ClinVar's aggregate classification.

Literature cited by the submitters: PubMed 10958763 (cited by Labcorp Genetics (formerly Invitae), Labcorp); PubMed 35120629 (cited by Labcorp Genetics (formerly Invitae), Labcorp); PubMed 36460718 (cited by Labcorp Genetics (formerly Invitae), Labcorp); PubMed 33375396 (cited by Labcorp Genetics (formerly Invitae), Labcorp); PubMed 11328725 (cited by Labcorp Genetics (formerly Invitae), Labcorp); PubMed 31456290 (cited by Labcorp Genetics (formerly Invitae), Labcorp).